The following is an entry in ClinVar:

ClinVar aggregate classification (germline): Uncertain significance. Review status: criteria provided, multiple submitters, no conflicts (2 of 4 stars). 2 submissions from 2 submitters: Uncertain significance (2). Last evaluated 2024-08-27.

Allele frequency attached by ClinVar (database versions not stated): ExAC 0.00002; gnomAD exomes 0.00005 and 0.00006; gnomAD 0.00006; TOPMed 0.00006.

Submissions (2):

Ambry Genetics
Classification: Uncertain significance. Last evaluated: 2024-08-27. Review status: criteria provided, single submitter. Criteria: Ambry Variant Classification Scheme 2023. Collection method: clinical testing. Allele origin: germline.

Labcorp Genetics (formerly Invitae), Labcorp
Classification: Uncertain significance. Last evaluated: 2023-11-13. Review status: criteria provided, single submitter. Criteria: Invitae Variant Classification Sherloc (09022015). Collection method: clinical testing. Allele origin: germline.
Comment: This sequence change replaces valine, which is neutral and non-polar, with isoleucine, which is neutral and non-polar, at codon 232 of the THAP11 protein (p.Val232Ile). This variant is present in population databases (rs546841357, gnomAD 0.02%). This variant has not been reported in the literature in individuals affected with THAP11-related conditions. ClinVar contains an entry for this variant (Variation ID: 1481469). Advanced modeling of protein sequence and biophysical properties (such as structural, functional, and spatial information, amino acid conservation, physicochemical variation, residue mobility, and thermodynamic stability) performed at Invitae indicates that this missense variant is not expected to disrupt THAP11 protein function with a negative predictive value of 80%. In summary, the available evidence is currently insufficient to determine the role of this variant in disease. Therefore, it has been classified as a Variant of Uncertain Significance.

NM_020457.3(THAP11):c.694G>A (p.Val232Ile)

Genes: CENPT (centromere protein T; minus strand), THAP11 (THAP domain containing 11; plus strand). Cytogenetic location: 16q22.1.
Variant type: single nucleotide variant.
Coding change: c.694G>A on transcript NM_020457.3 (MANE Select); coding-DNA position 694, G replaced by A.
Protein change: p.Val232Ile; replaces valine 232 with isoleucine.
Molecular consequence: missense variant. On other transcripts: intron variant (1).
Genome position (GRCh38, 1-based): chr16:67,843,248, G>A. VCF-style: chr16-67843248-G-A. GRCh37 (hg19) VCF-style: chr16-67877151-G-A.
Other names: c.694G>A (NM_020457.2); c.-492+4153C>T (NM_025082.4); short protein forms V232I.
Identifiers: ClinVar variation 1481469 (VCV001481469.7), dbSNP rs546841357, ClinGen allele CA8118336.
Genomic context (GRCh38, chr16:67,843,248, plus strand): 5'-CAGGCTGCTACCGCAGGGCTGGAGGCTGCCGAGTGCCCTATGGGCCCCCAGTTGGTGGTG[G>A]TAGGGGAAGAGGGCTTCCCTGATACTGGCTCCGACCATTCGTACTCCTTGTCGTCAGGCA-3'
Protein context (NP_065190.2, residues 222-242): ECPMGPQLVV[Val232Ile]GEEGFPDTGS